The following is an entry in ClinVar:

NM_000540.3(RYR1):c.8692+2T>A

Gene: RYR1 (ryanodine receptor 1; plus strand). Cytogenetic location: 19q13.2.
Variant type: single nucleotide variant.
Coding change: c.8692+2T>A on transcript NM_000540.3 (MANE Select); the canonical splice donor site of the intron after coding-DNA position 8692, T replaced by A.
Molecular consequence: splice donor variant.
Genome position (GRCh38, 1-based): chr19:38,506,548, T>A. VCF-style: chr19-38506548-T-A. GRCh37 (hg19) VCF-style: chr19-38997188-T-A.
Other names: c.8692+2T>A (NM_001042723.2).
Identifiers: ClinVar variation 3073214 (VCV003073214.1), dbSNP rs112050346, ClinGen allele CA405680525.

ClinVar aggregate classification (germline): Uncertain significance (1 of 4 stars; one submission).

Conditions:
Malignant hyperthermia, susceptibility to, 1 (MHS1). Also called: Anesthesia related hyperthermia; Malignant hyperpyrexia; Fulminating hyperpyrexia; Pharmacogenic myopathy; RYR1-Related Malignant Hyperthermia Susceptibility; Malignant hyperthermia suceptibility 1. Identifiers: Orphanet 423, MedGen C2930980, MONDO:0007783, OMIM 145600.

Submission:

All of Us Research Program, National Institutes of Health
Classification: Uncertain significance for Malignant hyperthermia, susceptibility to, 1. Last evaluated: 2023-08-28. Review status: criteria provided, single submitter. Criteria: ACMG Guidelines, 2015. Collection method: clinical testing. Allele origin: germline. Inheritance: Autosomal dominant inheritance. Observed: 1 variant allele, 1 heterozygote.
Comment: This variant causes a T to A nucleotide substitution at the +2 position of intron 56 of the RYR1 gene. Splice site prediction tools suggest that this variant may have a significant impact on RNA splicing. Although this prediction has not been confirmed in published RNA studies, this variant is expected to result in an absent or disrupted protein product. This variant has not been reported in individuals affected with RYR1-related disorders in the literature. Loss of RYR1 function due to haploinsufficiency is associated with congenital myopathy, but it is not an established disease mechanism for autosomal dominant malignant hyperthermia susceptibility. This variant has not been identified in the general population by the Genome Aggregation Database (gnomAD). The available evidence is insufficient to determine the role of this variant in disease conclusively. Due to insufficient evidence, this variant is classified as a Variant of Uncertain Significance for autosomal dominant malignant hyperthermia.

This study involves interpretation of variants in research participants for the purpose of population health screening. Participant phenotype was not available at the time of variant classification. Additional details can be found in publication PMID: 35346344, PMCID: PMC8962531